The following is an entry in ClinVar:

ClinVar aggregate classification (germline): Uncertain significance (1 of 4 stars; one submission).

Submission:

Ambry Genetics
Classification: Uncertain significance. Last evaluated: 2026-02-16. Review status: criteria provided, single submitter. Criteria: Ambry Variant Classification Scheme 2023. Collection method: clinical testing. Allele origin: germline.
Comment: The p.I532M variant (also known as c.1596C>G), located in coding exon 7 of the WNK2 gene, results from a C to G substitution at nucleotide position 1596. The isoleucine at codon 532 is replaced by methionine, an amino acid with highly similar properties. This amino acid position is conserved. In addition, the in silico prediction for this alteration is inconclusive. Based on the available evidence, the clinical significance of this variant remains unclear.

NM_006648.4(WNK2):c.1596C>G (p.Ile532Met)

Gene: WNK2 (WNK lysine deficient protein kinase 2; plus strand). Cytogenetic location: 9q22.31.
Variant type: single nucleotide variant.
Coding change: c.1596C>G on transcript NM_006648.4 (MANE Select); coding-DNA position 1596, C replaced by G.
Protein change: p.Ile532Met; replaces isoleucine 532 with methionine.
Molecular consequence: missense variant.
Genome position (GRCh38, 1-based): chr9:93,247,596, C>G. VCF-style: chr9-93247596-C-G. GRCh37 (hg19) VCF-style: chr9-96009878-C-G.
Other names: c.1596C>G, p.Ile532Met (NM_001282394.3); short protein forms I532M.
Identifiers: ClinVar variation 4844900 (VCV004844900.1).